The following is an entry in ClinVar:

ClinVar aggregate classification (germline): Uncertain significance (1 of 4 stars; one submission).

gnomAD v4.1: 25 of 1,607,172 alleles (0.0016%); highest among the groups gnomAD compares: Non-Finnish European, 0.0018%; no homozygotes.

Submission:

Labcorp Genetics (formerly Invitae), Labcorp
Classification: Uncertain significance. Last evaluated: 2023-09-21. Review status: criteria provided, single submitter. Criteria: Invitae Variant Classification Sherloc (09022015). Collection method: clinical testing. Allele origin: germline.
Comment: This sequence change affects codon 647 of the LAMC3 mRNA. It is a 'silent' change, meaning that it does not change the encoded amino acid sequence of the LAMC3 protein. This variant also falls at the last nucleotide of exon 11, which is part of the consensus splice site for this exon. The frequency data for this variant in the population databases is considered unreliable, as metrics indicate poor data quality at this position in the gnomAD database. This variant has not been reported in the literature in individuals affected with LAMC3-related conditions. An algorithm developed to predict the effect of missense changes on protein structure and function (PolyPhen-2) suggests that this variant is likely to be disruptive. Variants that disrupt the consensus splice site are a relatively common cause of aberrant splicing (PMID: 17576681, 9536098). Algorithms developed to predict the effect of sequence changes on RNA splicing suggest that this variant may disrupt the consensus splice site. In summary, the available evidence is currently insufficient to determine the role of this variant in disease. Therefore, it has been classified as a Variant of Uncertain Significance.

Literature cited by the submitters: PubMed 17576681; PubMed 9536098.

NM_006059.4(LAMC3):c.1939G>T (p.Gly647Cys)

Gene: LAMC3 (laminin subunit gamma 3; plus strand). Cytogenetic location: 9q34.12.
Variant type: single nucleotide variant.
Coding change: c.1939G>T on transcript NM_006059.4 (MANE Select); coding-DNA position 1939, G replaced by T.
Protein change: p.Gly647Cys; replaces glycine 647 with cysteine.
Molecular consequence: missense variant.
Genome position (GRCh38, 1-based): chr9:131,052,965, G>T. VCF-style: chr9-131052965-G-T. GRCh37 (hg19) VCF-style: chr9-133928352-G-T.
Other names: short protein forms G647C.
Identifiers: ClinVar variation 2903115 (VCV002903115.1), dbSNP rs144242690, ClinGen allele CA5287273.